The following is an entry in ClinVar:

NM_006059.4(LAMC3):c.1696C>G (p.Pro566Ala)

Genes: LAMC3 (laminin subunit gamma 3; plus strand), LOC126860777 (BRD4-independent group 4 enhancer GRCh37_chr9:133927058-133928257; plus strand). Cytogenetic location: 9q34.12.
Variant type: single nucleotide variant.
Coding change: c.1696C>G on transcript NM_006059.4 (MANE Select); coding-DNA position 1696, C replaced by G.
Protein change: p.Pro566Ala; replaces proline 566 with alanine.
Molecular consequence: missense variant.
Genome position (GRCh38, 1-based): chr9:131,052,556, C>G. VCF-style: chr9-131052556-C-G. GRCh37 (hg19) VCF-style: chr9-133927943-C-G.
Other names: short protein forms P566A.
Identifiers: ClinVar variation 1512506 (VCV001512506.8), dbSNP rs138637827, ClinGen allele CA5287175.
Genomic context (GRCh38, chr9:131,052,556, plus strand): 5'-TTCCTGGGAGACCAGCGGTTCAGCTATGGGCAGCCCCTCATACTGACCTTCCGGGTGCCC[C>G]CCGGGGACTCCCCACTCCCTGTACAGCTGAGGCTGGAAGGGACAGGCTTGGCCCTGTCCC-3'
Protein context (NP_006050.3, residues 556-576): QPLILTFRVP[Pro566Ala]GDSPLPVQLR

ClinVar aggregate classification (germline): Uncertain significance (1 of 4 stars; one submission).

gnomAD v4.1: 22 of 1,614,168 alleles (0.0014%); highest among the groups gnomAD compares: East Asian, 0.049%; no homozygotes.

Submission:

Labcorp Genetics (formerly Invitae), Labcorp
Classification: Uncertain significance. Last evaluated: 2022-09-01. Review status: criteria provided, single submitter. Criteria: Invitae Variant Classification Sherloc (09022015). Collection method: clinical testing. Allele origin: germline.
Comment: This sequence change replaces proline, which is neutral and non-polar, with alanine, which is neutral and non-polar, at codon 566 of the LAMC3 protein (p.Pro566Ala). This variant is present in population databases (rs138637827, gnomAD 0.05%). This variant has not been reported in the literature in individuals affected with LAMC3-related conditions. ClinVar contains an entry for this variant (Variation ID: 1512506). Algorithms developed to predict the effect of missense changes on protein structure and function (SIFT, PolyPhen-2, Align-GVGD) all suggest that this variant is likely to be tolerated. In summary, the available evidence is currently insufficient to determine the role of this variant in disease. Therefore, it has been classified as a Variant of Uncertain Significance.